The following is an entry in ClinVar:

ClinVar aggregate classification (germline): Likely benign. Review status: criteria provided, multiple submitters, no conflicts (2 of 4 stars). 3 submissions from 3 submitters: Likely benign (3). Last evaluated 2026-07-01.

Conditions:
PLEC-related disorder. Also called: PLEC-related disorders; PLEC-related condition.
Epidermolysis bullosa simplex 5C, with pyloric atresia (EBS5C). Also called: PLEC-Related Epidermolysis Bullosa with Pyloric Atresia; Epidermolysis bullosa simplex with pyloric atresia; PLEC1-Related Epidermolysis Bullosa with Pyloric Atresia. Identifiers: Orphanet 158684, MedGen C2677349, MONDO:0012807, OMIM 612138.
Epidermolysis bullosa simplex with nail dystrophy (EBS5D). Identifiers: MedGen C4225309, MONDO:0014661, OMIM 616487.
Autosomal recessive limb-girdle muscular dystrophy type 2Q (LGMDR17). Also called: MUSCULAR DYSTROPHY, LIMB-GIRDLE, AUTOSOMAL RECESSIVE 17. Identifiers: Orphanet 254361, MedGen C3150989, MONDO:0013390, OMIM 613723.
Epidermolysis bullosa simplex 5B, with muscular dystrophy (EBS5B). Also called: EPIDERMOLYSIS BULLOSA SIMPLEX AND LIMB-GIRDLE MUSCULAR DYSTROPHY; Epidermolysis bullosa simplex with muscular dystrophy. Identifiers: Orphanet 257, MedGen C2931072, MONDO:0009181, OMIM 226670.
Epidermolysis bullosa simplex, Ogna type (EBS5A). Also called: Pidermolysis bullosa simplex 5A, Ogna type; EPIDERMOLYSIS BULLOSA SIMPLEX 5A, OGNA TYPE. Identifiers: Orphanet 79401, MedGen C0432317, MONDO:0007555, OMIM 131950.

Allele frequency attached by ClinVar (database versions not stated): ExAC 0.00002; gnomAD 0.00003 and 0.00004; TOPMed 0.00003; gnomAD exomes 0.00004 and 0.00005.
gnomAD v4.1: 71 of 1,596,798 alleles (0.0044%); highest among the groups gnomAD compares: Non-Finnish European, 0.0058%; no homozygotes.

Submissions (3):

PreventionGenetics, part of Exact Sciences
Classification: Likely benign for PLEC-related condition. Last evaluated: 2026-07-01. Review status: criteria provided, single submitter. Criteria: ACMG Guidelines, 2015. Collection method: clinical testing. Allele origin: germline.
Comment: This variant is classified as likely benign based on ACMG/AMP sequence variant interpretation guidelines (Richards et al. 2015 PMID: 25741868, with internal and published modifications).

Labcorp Genetics (formerly Invitae), Labcorp
Classification: Likely benign for Autosomal recessive limb-girdle muscular dystrophy type 2Q; Epidermolysis bullosa simplex, Ogna type; Epidermolysis bullosa simplex with nail dystrophy; Epidermolysis bullosa simplex 5C, with pyloric atresia; Epidermolysis bullosa simplex 5B, with muscular dystrophy. Last evaluated: 2025-08-09. Review status: criteria provided, single submitter. Criteria: Invitae Variant Classification Sherloc (09022015). Collection method: clinical testing. Allele origin: germline.

Mayo Clinic Laboratories, Mayo Clinic
Classification: Likely benign. Last evaluated: 2025-03-25. Review status: criteria provided, single submitter. Criteria: ACMG Guidelines, 2015. Collection method: clinical testing. Allele origin: germline. Observed: 1 variant allele.
Comment: BP4, BP7

NM_201384.3(PLEC):c.5871C>T (p.Asp1957=)

Gene: PLEC (plectin; minus strand). Cytogenetic location: 8q24.3.
Variant type: single nucleotide variant.
Coding change: c.5871C>T on transcript NM_201384.3 (MANE Select); coding-DNA position 5871, C replaced by T.
Protein change: p.Asp1957=; no amino-acid change (aspartic acid 1957 retained).
Molecular consequence: synonymous variant.
Genome position (GRCh38, 1-based): chr8:143,924,058, G>A on the plus strand (C>T on the coding strand, the complement: PLEC is on the minus strand). VCF-style: chr8-143924058-G-A. GRCh37 (hg19) VCF-style: chr8-144998226-G-A.
Other names: p.Asp1984=; c.5952C>T (NM_000445.4); c.5952C>T, p.Asp1984= (NM_000445.5); c.5829C>T, p.Asp1943= (NM_201378.4); c.5805C>T, p.Asp1935= (NM_201379.3); c.6282C>T, p.Asp2094= (NM_201380.4); c.5775C>T, p.Asp1925= (NM_201381.3); c.5871C>T, p.Asp1957= (NM_201382.4); and 1 more.
Identifiers: ClinVar variation 1093361 (VCV001093361.9), dbSNP rs782706781, ClinGen allele CA4926208.
Genomic context (GRCh38, chr8:143,924,058, plus strand): 5'-CGCCGCCAGCTGCCGCTGCCTCGCAGCCTCCAGCTCGGCCTGCTCCTTGCTGCGCAGCGT[G>A]TCCTCCGCGTTGCTGCGGATGCGTCCCAGCTCCAGCTCCAGCTCCGCCTTGCCAGCGGCC-3'
Protein context (NP_958786.1, residues 1947-1967): ELGRIRSNAE[Asp1957=]TLRSKEQAEL